The following is an entry in ClinVar:

ClinVar aggregate classification (germline): Likely benign. Review status: criteria provided, multiple submitters, no conflicts (2 of 4 stars). 2 submissions from 2 submitters: Likely benign (2). Last evaluated 2025-02-20.

Conditions:
Cardiovascular phenotype. Identifiers: MedGen CN230736.
Arrhythmogenic cardiomyopathy with wooly hair and keratoderma. Also called: PALMOPLANTAR KERATODERMA WITH LEFT VENTRICULAR CARDIOMYOPATHY AND WOOLLY HAIR; Carvajal syndrome; Dilated cardiomyopathy with woolly hair and keratoderma; Arrhythmogenic cardiomyopathy with woolly hair and keratoderma. Identifiers: Orphanet 65282, MedGen C1854063, MONDO:0011581, OMIM 605676.

Allele frequency attached by ClinVar (database versions not stated): gnomAD exomes below 0.00001; gnomAD 0.00001.
gnomAD v4.1: 2 of 1,614,104 alleles (0.00012%); highest among the groups gnomAD compares: Non-Finnish European, 0.00017%; no homozygotes.

Submissions (2):

Ambry Genetics
Classification: Likely benign for Cardiovascular phenotype. Last evaluated: 2025-02-20. Review status: criteria provided, single submitter. Criteria: Ambry Variant Classification Scheme 2023. Collection method: clinical testing. Allele origin: germline.

All of Us Research Program, National Institutes of Health
Classification: Likely benign for Arrhythmogenic cardiomyopathy with wooly hair and keratoderma. Last evaluated: 2023-07-19. Review status: criteria provided, single submitter. Criteria: ACMG Guidelines, 2015. Collection method: clinical testing. Allele origin: germline. Inheritance: Autosomal dominant inheritance. Observed: 1 variant allele, 1 heterozygote.
Comment: This study involves interpretation of variants in research participants for the purpose of population health screening. Participant phenotype was not available at the time of variant classification. Additional details can be found in publication PMID: 35346344, PMCID: PMC8962531

NM_004415.4(DSP):c.1809T>C (p.Asp603=)

Gene: DSP (desmoplakin; plus strand). Cytogenetic location: 6p24.3.
Variant type: single nucleotide variant.
Coding change: c.1809T>C on transcript NM_004415.4 (MANE Select); coding-DNA position 1809, T replaced by C.
Protein change: p.Asp603=; no amino-acid change (aspartic acid 603 retained).
Molecular consequence: synonymous variant.
Genome position (GRCh38, 1-based): chr6:7,571,490, T>C. VCF-style: chr6-7571490-T-C. GRCh37 (hg19) VCF-style: chr6-7571723-T-C.
Other names: c.1809T>C, p.Asp603= (NM_001008844.3, NM_001319034.2).
Identifiers: ClinVar variation 3072447 (VCV003072447.2), dbSNP rs1358103461, ClinGen allele CA448714047.